The following is an entry in ClinVar:

ClinVar aggregate classification (germline): Pathogenic. Review status: criteria provided, multiple submitters, no conflicts (2 of 4 stars). 2 submissions from 2 submitters: Pathogenic (2). Last evaluated 2023-06-28.

Conditions:
Hereditary cancer-predisposing syndrome. Also called: Neoplastic Syndromes, Hereditary; Tumor predisposition; Hereditary Cancer Syndrome; Hereditary neoplastic syndrome. Identifiers: Orphanet 140162, MedGen C0027672, MeSH D009386, MONDO:0015356.
Familial cancer of breast. Also called: BREAST CANCER, FAMILIAL; Hereditary breast cancer; hereditary breast carcinoma. Identifiers: Orphanet 227535, MedGen C0346153, MONDO:0016419, OMIM 114480. Disease mechanism: loss of function.

Submissions (2):

Myriad Genetics, Inc.
Classification: Pathogenic for Familial cancer of breast. Last evaluated: 2023-06-28. Review status: criteria provided, single submitter. Criteria: Myriad Autosomal Dominant, Autosomal Recessive and X-Linked Classification Criteria (2023). Collection method: clinical testing. Allele origin: unknown.
Comment: This variant is considered pathogenic. This variant creates a termination codon and is predicted to result in premature protein truncation.

Ambry Genetics
Classification: Pathogenic for Hereditary cancer-predisposing syndrome. Last evaluated: 2014-10-09. Review status: criteria provided, single submitter. Criteria: Ambry Autosomal Dominant and X-Linked criteria (10/2015). Collection method: clinical testing. Allele origin: germline. Observed: 1 variant allele.
Comment: Ã¢â‚¬â€¹<span data-redactor="verified" style="background-color: initial;">The <strong style="background-color: initial;">c.1222_1237DEL16<span data-redactor="verified" style="background-color: initial;"> pathogenic mutation, located in coding exon 10 of the <em style="background-color: initial;">CHEK2<span data-redactor="verified" style="background-color: initial;"> gene, results from a deletion of 16 nucleotides between positions 1222 and 1237, causing a translational frameshift with a predicted alternate stop codon. Since frameshifts are typically deleterious in nature, this alteration is interpreted as a disease-causing mutation (ACMG Recommendations for Standards for Interpretation and Reporting of Sequence Variations. Revision 2007. <em style="background-color: initial;">Genet Med.<span data-redactor="verified" style="background-color: initial;"> 2008;10:294).

NM_007194.4(CHEK2):c.1222_1237del (p.Ala407_Val408insTer)

Gene: CHEK2 (checkpoint kinase 2; minus strand). Cytogenetic location: 22q12.1.
Variant type: Deletion.
Coding change: c.1222_1237del on transcript NM_007194.4 (MANE Select); coding-DNA positions 1222 to 1237, 16 bases deleted (GTGGACTGCTGGAGTT).
Protein change: p.Ala407_Val408insTer.
Molecular consequence: nonsense. On other transcripts: frameshift variant (4).
Genome position (GRCh38, 1-based): chr22:28,695,732-28,695,747, AACTCCAGCAGTCCAC deleted on the plus strand (GTGGACTGCTGGAGTT on the coding strand, the reverse complement: CHEK2 is on the minus strand); deleting any 16 consecutive bases within chr22:28,695,732-28,695,748 gives the same sequence; the c. name uses the placement nearest the transcript's 3' end. VCF-style (leftmost placement, unchanged base first): chr22-28695731-AAACTCCAGCAGTCCAC-A. GRCh37 (hg19) VCF-style: chr22-29091719-AAACTCCAGCAGTCCAC-A.
Other names: c.1350_1365del16, p.Val451Terfs (NM_001005735.3); c.558_573del16, p.Val187Terfs (NM_001257387.3); c.1020_1035del16, p.Val341Terfs (NM_001349956.3); c.1134_1149del16, p.Val379Terfs (NM_145862.3).
Identifiers: ClinVar variation 186548 (VCV000186548.5), dbSNP rs786203031, ClinGen allele CA195139.
Genomic context (GRCh38, chr22:28,695,731, plus strand): 5'-CCTCCTACCAGTCTGTGCAGCAATGAAAATATTTCTTACCAGATAAAAAGAATAACTCCT[AAACTCCAGCAGTCCAC>A]AGCACGGTTATACCCAGCAGTCCCAACAGAAACAAGAACTTCAGGCGCCAAGTAGGTGGG-3'